The following is an entry in ClinVar:

ClinVar aggregate classification (germline): not provided (0 of 4 stars; one submission).

Conditions:
Normal pregnancy. Identifiers: MedGen C0232989.

Submission:

Institute of Molecular and Cell Biology, University of Tartu
No classification provided. Condition: Normal pregnancy. Review status: no classification provided. Collection method: case-control. Allele origin: unknown. Affected: yes. Study: Kasak2014.
Comment: The study aimed to determine the contribution of copy number variants in the genetic etiology of normal and complicated pregnancies. The samples represented (i) maternal blood DNA drawn from healthy pregnant women during 1st or 2nd trimester and (ii) maternal and paternal blood DNA drawn at term pregnancy cases representing normal and complicated gestations (severe preeclampsia, PE; gestational diabetes, GD; small-for-gestational age newborn, SGA; large-for-gestational age newborn, LGA). We performed CNV calling based on genome-wide genotyping dataset (Illumina HumanOmniExpress-24-v1 BeadChip) by applying three algorithms, QuantiSNP, GADA (Genome Alteration Detection Algorithm) and CNstream in parallel. The acquired CNV calls were merged with HD-CNV (Hotspot Detector for Copy Number Variants) program and only the CNVs predicted by at least two programs, were considered in subsequent analysis.

Literature cited by the submitters: PubMed 25666259.

Single allele

Variant type: Deletion.
Identifiers: ClinVar variation 157058 (VCV000157058.2).